The following is an entry in ClinVar:

NM_000254.3(MTR):c.3463A>G (p.Ser1155Gly)

Gene: MTR (5-methyltetrahydrofolate-homocysteine methyltransferase; plus strand). Cytogenetic location: 1q43.
Variant type: single nucleotide variant.
Coding change: c.3463A>G on transcript NM_000254.3 (MANE Select); coding-DNA position 3463, A replaced by G.
Protein change: p.Ser1155Gly; replaces serine 1155 with glycine.
Molecular consequence: missense variant.
Genome position (GRCh38, 1-based): chr1:236,895,415, A>G. VCF-style: chr1-236895415-A-G. GRCh37 (hg19) VCF-style: chr1-237058715-A-G.
Other names: c.3463A>G (NM_000254.2); c.3310A>G, p.Ser1104Gly (NM_001291939.1); c.2242A>G, p.Ser748Gly (NM_001291940.2); short protein forms S748G, S1155G, S1104G.
Identifiers: ClinVar variation 1375869 (VCV001375869.4), dbSNP rs369154176, ClinGen allele CA1474710.

ClinVar aggregate classification (germline): Uncertain significance. Review status: criteria provided, multiple submitters, no conflicts (2 of 4 stars). 2 submissions from 2 submitters: Uncertain significance (2). Last evaluated 2022-12-21.

Conditions:
Methylcobalamin deficiency type cblG (HMAG). Also called: HOMOCYSTINURIA-MEGALOBLASTIC ANEMIA, cblG TYPE; HOMOCYSTINURIA-MEGALOBLASTIC ANEMIA, cblG COMPLEMENTATION TYPE; Functional methionine synthase deficiency type cblG; HOMOCYSTINURIA-MEGALOBLASTIC ANEMIA DUE TO DEFECT IN COBALAMIN METABOLISM, cblG COMPLEMENTATION TYPE. Identifiers: Orphanet 2170, Orphanet 622, MedGen C1855128, MONDO:0009609, OMIM 250940.
Inborn genetic diseases. Identifiers: MedGen C0950123, MeSH D030342.

Allele frequency attached by ClinVar (database versions not stated): gnomAD 0.00001; TOPMed 0.00004; gnomAD exomes 0.00007 and 0.00009; ESP Exome Variant Server 0.00008; ExAC 0.00022.
gnomAD v4.1: 97 of 1,605,316 alleles (0.006%); highest among the groups gnomAD compares: Non-Finnish European, 0.0081%; no homozygotes.

Submissions (2):

Ambry Genetics
Classification: Uncertain significance for Inborn genetic diseases. Last evaluated: 2022-12-21. Review status: criteria provided, single submitter. Criteria: Ambry Variant Classification Scheme 2023. Collection method: clinical testing. Allele origin: germline.

Labcorp Genetics (formerly Invitae), Labcorp
Classification: Uncertain significance for Methylcobalamin deficiency type cblG. Last evaluated: 2021-11-06. Review status: criteria provided, single submitter. Criteria: Invitae Variant Classification Sherloc (09022015). Collection method: clinical testing. Allele origin: germline.
Comment: This sequence change replaces serine, which is neutral and polar, with glycine, which is neutral and non-polar, at codon 1155 of the MTR protein (p.Ser1155Gly). This variant is present in population databases (rs369154176, gnomAD 0.02%). This variant has not been reported in the literature in individuals affected with MTR-related conditions. Algorithms developed to predict the effect of missense changes on protein structure and function output the following: SIFT: "Tolerated"; PolyPhen-2: "Benign"; Align-GVGD: "Class C0". The glycine amino acid residue is found in multiple mammalian species, which suggests that this missense change does not adversely affect protein function. Algorithms developed to predict the effect of sequence changes on RNA splicing suggest that this variant may create or strengthen a splice site. In summary, the available evidence is currently insufficient to determine the role of this variant in disease. Therefore, it has been classified as a Variant of Uncertain Significance.